The following is an entry in ClinVar:

NM_004184.4(WARS1):c.989C>T (p.Pro330Leu)

Gene: WARS1 (tryptophanyl-tRNA synthetase 1; minus strand). Cytogenetic location: 14q32.2.
Variant type: single nucleotide variant.
Coding change: c.989C>T on transcript NM_004184.4 (MANE Select); coding-DNA position 989, C replaced by T.
Protein change: p.Pro330Leu; replaces proline 330 with leucine.
Molecular consequence: missense variant.
Genome position (GRCh38, 1-based): chr14:100,342,522, G>A on the plus strand (C>T on the coding strand, the complement: WARS1 is on the minus strand). VCF-style: chr14-100342522-G-A. GRCh37 (hg19) VCF-style: chr14-100808859-G-A.
Other names: p.Pro330Leu; c.989C>T, p.Pro330Leu (NM_173701.2); c.866C>T, p.Pro289Leu (NM_213645.2, NM_213646.2); c.989C>T (NM_004184.3); short protein forms P289L, P330L.
Identifiers: ClinVar variation 4683929 (VCV004683929.2).

ClinVar aggregate classification (germline): Benign. Review status: criteria provided, multiple submitters, no conflicts (2 of 4 stars). 2 submissions from 2 submitters: Benign (2). Last evaluated 2026-05-21.

Conditions:
WARS1-related disorder. Also called: WARS1-related condition.

gnomAD v4.1: 2,885 of 1,613,558 alleles (0.18%); highest among the groups gnomAD compares: African/African-American, 3.4%; 49 homozygotes.

Submissions (2):

PreventionGenetics, part of Exact Sciences
Classification: Benign for WARS1-related condition. Last evaluated: 2026-05-21. Review status: criteria provided, single submitter. Criteria: ACMG Guidelines, 2015. Collection method: clinical testing. Allele origin: germline.
Comment: This variant is classified as benign based on ACMG/AMP sequence variant interpretation guidelines (Richards et al. 2015 PMID: 25741868, with internal and published modifications).

Mayo Clinic Laboratories, Mayo Clinic
Classification: Benign. Last evaluated: 2025-05-12. Review status: criteria provided, single submitter. Criteria: ACMG Guidelines, 2015. Collection method: clinical testing. Allele origin: germline. Observed: 2 variant alleles.
Comment: BS1, BS2, BP4